The following is an entry in ClinVar:

NM_001082486.1(ACD):c.158G>A (p.Arg53Gln)

Gene: ACD (ACD shelterin complex subunit and telomerase recruitment factor; minus strand). Cytogenetic location: 16q22.1.
Variant type: single nucleotide variant.
Coding change: c.158G>A on transcript NM_001082486.1; coding-DNA position 158, G replaced by A.
Protein change: p.Arg53Gln; replaces arginine 53 with glutamine.
Genome position (GRCh38, 1-based): chr16:67,660,321, C>T on the plus strand (G>A on the coding strand, the complement: ACD is on the minus strand). VCF-style: chr16-67660321-C-T. GRCh37 (hg19) VCF-style: chr16-67694224-C-T.
Other names: short protein forms R53Q.
Identifiers: ClinVar variation 3480297 (VCV003480297.1).

ClinVar aggregate classification (germline): Uncertain significance (1 of 4 stars; one submission).

Conditions:
Inborn genetic diseases. Identifiers: MedGen C0950123, MeSH D030342.

Submission:

Ambry Genetics
Classification: Uncertain significance for Inborn genetic diseases. Last evaluated: 2024-09-26. Review status: criteria provided, single submitter. Criteria: Ambry Variant Classification Scheme 2023. Collection method: clinical testing. Allele origin: germline.
Comment: The p.R53Q variant (also known as c.158G>A), located in coding exon 1 of the ACD gene, results from a G to A substitution at nucleotide position 158. The arginine at codon 53 is replaced by glutamine, an amino acid with highly similar properties. This amino acid position is conserved. In addition, this alteration is predicted to be tolerated by in silico analysis. Based on the available evidence, the clinical significance of this variant remains unclear.